The following is an entry in ClinVar:

NM_006019.4(TCIRG1):c.1787G>A (p.Trp596Ter)

Gene: TCIRG1 (T cell immune regulator 1, ATPase H+ transporting V0 subunit a3; plus strand). Cytogenetic location: 11q13.2.
Variant type: single nucleotide variant.
Coding change: c.1787G>A on transcript NM_006019.4 (MANE Select); coding-DNA position 1787, G replaced by A.
Protein change: p.Trp596Ter; replaces tryptophan 596 with a stop codon.
Molecular consequence: nonsense.
Genome position (GRCh38, 1-based): chr11:68,049,194, G>A. VCF-style: chr11-68049194-G-A. GRCh37 (hg19) VCF-style: chr11-67816661-G-A.
Other names: c.1787G>A (NM_006019.3); c.893G>A, p.Trp298Ter (NM_001351059.2); c.1139G>A, p.Trp380Ter (NM_006053.4); short protein forms W298*, W380*, W596*.
Identifiers: ClinVar variation 3600168 (VCV003600168.3).
Genomic context (GRCh38, chr11:68,049,194, plus strand): 5'-TCCTGCTGGGACTCTTCGGTTACCTCGTGTTCCTAGTCATCTACAAGTGGCTGTGTGTCT[G>A]GGCTGCCAGGGCCGCCTCGGCCCCCAGCATCCTCATCCACTTCATCAACATGTTCCTCTT-3'

ClinVar aggregate classification (germline): Pathogenic. Review status: criteria provided, multiple submitters, no conflicts (2 of 4 stars). 3 submissions from 3 submitters: Pathogenic (3). Last evaluated 2025-10-15.

Conditions:
Autosomal recessive osteopetrosis 1. Also called: TCIRG1-Related Autosomal Recessive Osteopetrosis; ALBERS-SCHONBERG DISEASE, AUTOSOMAL RECESSIVE; TCIRG1-Related Osteopetrosis. Identifiers: Orphanet 667, MedGen C1850127, MONDO:0009815, OMIM 259700.

Submissions (3):

Myriad Genetics, Inc.
Classification: Pathogenic for Autosomal recessive osteopetrosis 1. Last evaluated: 2025-10-15. Review status: criteria provided, single submitter. Criteria: Myriad Autosomal Dominant, Autosomal Recessive and X-Linked Classification Criteria (2023). Collection method: clinical testing. Allele origin: unknown.
Comment: NM_006019.3(TCIRG1):c.1787G>A(W596*) is a nonsense variant classified as pathogenic in the context of autosomal recessive osteopetrosis type 1. W596* has been observed in a case with relevant disease (PMID: 10942435). Relevant functional assessments of this variant are not available in the literature. W596* has not been observed in referenced population frequency databases. In summary, NM_006019.3(TCIRG1):c.1787G>A(W596*) is a nonsense variant in a gene where loss of function is a known mechanism of disease, is predicted to disrupt protein function, and has been observed more frequently in cases with the relevant disease than in healthy populations. Please note: this variant was assessed in the context of healthy population screening.

Natera, Inc.
Classification: Pathogenic for Infantile malignant osteopetrosis. Last evaluated: 2025-07-17. Review status: criteria provided, single submitter. Criteria: Natera Variant Classification Schema (03/2026). Collection method: clinical testing. Allele origin: germline.
Comment: The c.1787G>A variant in TCIRG1 is a nonsense variant predicted to introduce a stop codon at amino acid 596. This variant is expected to result in nonsense mediated decay, truncation, or a dysfunctional protein product. This variant is rare in the general population with a frequency below the threshold expected for the associated phenotype(s). This variant has been observed in one or more individuals affected with the associated recessive disease, as either homozygous or compound heterozygous with a second variant (PMID: 10942435). Given the available evidence, this variant is classified as Pathogenic.

Fulgent Genetics
Classification: Pathogenic for Autosomal recessive osteopetrosis 1. Last evaluated: 2024-04-26. Review status: criteria provided, single submitter. Criteria: ACMG Guidelines, 2015. Collection method: clinical testing. Allele origin: germline.

Literature cited by the submitters: PubMed 10942435 (cited by Myriad Genetics, Inc. and Natera, Inc.).